The following is an entry in ClinVar:

ClinVar aggregate classification (germline): Uncertain significance (1 of 4 stars; one submission).

gnomAD v4.1: 1 of 1,614,190 alleles (0.000062%); highest among the groups gnomAD compares: South Asian, 0.0011%; no homozygotes.

Submission:

GeneDx
Classification: Uncertain significance. Last evaluated: 2026-04-09. Review status: criteria provided, single submitter. Criteria: GeneDx Variant Classification Process June 2021. Collection method: clinical testing. Allele origin: germline.
Comment: Not observed at significant frequency in large population cohorts (gnomAD); In silico analysis suggests that this missense variant does not alter protein structure/function; Has not been previously published as pathogenic or benign to our knowledge

NM_020134.4(DPYSL5):c.877G>T (p.Ala293Ser)

Gene: DPYSL5 (dihydropyrimidinase like 5; plus strand). Cytogenetic location: 2p23.3.
Variant type: single nucleotide variant.
Coding change: c.877G>T on transcript NM_020134.4 (MANE Select); coding-DNA position 877, G replaced by T.
Protein change: p.Ala293Ser; replaces alanine 293 with serine.
Molecular consequence: missense variant.
Genome position (GRCh38, 1-based): chr2:26,934,664, G>T. VCF-style: chr2-26934664-G-T. GRCh37 (hg19) VCF-style: chr2-27157532-G-T.
Other names: c.877G>T, p.Ala293Ser (NM_001253723.2, NM_001253724.2); short protein forms A293S.
Identifiers: ClinVar variation 5018296 (VCV005018296.1).